The following is an entry in ClinVar:

ClinVar aggregate classification (germline): Likely pathogenic (1 of 4 stars; one submission).

Conditions:
Nephronophthisis. Also called: Juvenile Nephronophthisis. Identifiers: Orphanet 655, MedGen C0687120, MONDO:0019005, HP:0000090.

Allele frequency attached by ClinVar (database versions not stated): gnomAD exomes below 0.00001.
gnomAD v4.1: 1 of 1,613,918 alleles (0.000062%); highest among the groups gnomAD compares: Non-Finnish European, 0.000085%; no homozygotes.

Submission:

Labcorp Genetics (formerly Invitae), Labcorp
Classification: Likely pathogenic for Nephronophthisis. Last evaluated: 2023-11-20. Review status: criteria provided, single submitter. Criteria: Invitae Variant Classification Sherloc (09022015). Collection method: clinical testing. Allele origin: germline.
Comment: This sequence change affects an acceptor splice site in intron 4 of the INVS gene. It is expected to disrupt RNA splicing. Variants that disrupt the donor or acceptor splice site typically lead to a loss of protein function (PMID: 16199547), and loss-of-function variants in INVS are known to be pathogenic (PMID: 12872123). This variant is not present in population databases (gnomAD no frequency). This variant has not been reported in the literature in individuals affected with INVS-related conditions. Algorithms developed to predict the effect of sequence changes on RNA splicing suggest that this variant may disrupt the consensus splice site. In summary, the currently available evidence indicates that the variant is pathogenic, but additional data are needed to prove that conclusively. Therefore, this variant has been classified as Likely Pathogenic.

Literature cited by the submitters: PubMed 16199547; PubMed 12872123.

NM_014425.5(INVS):c.448-2A>G

Gene: INVS (inversin; plus strand). Cytogenetic location: 9q31.1.
Variant type: single nucleotide variant.
Coding change: c.448-2A>G on transcript NM_014425.5 (MANE Select); the canonical splice acceptor site of the intron before coding-DNA position 448, A replaced by G.
Molecular consequence: splice acceptor variant.
Genome position (GRCh38, 1-based): chr9:100,229,658, A>G. VCF-style: chr9-100229658-A-G. GRCh37 (hg19) VCF-style: chr9-102991940-A-G.
Other names: c.160-2A>G (NM_001318381.2); c.-542-2A>G (NM_001318382.2).
Identifiers: ClinVar variation 2739186 (VCV002739186.3), dbSNP rs2491201847, ClinGen allele CA374360270.